The following is an entry in ClinVar:

ClinVar aggregate classification (germline): Uncertain significance (1 of 4 stars; one submission).

Conditions:
Cardiovascular phenotype. Identifiers: MedGen CN230736.

Submission:

Ambry Genetics
Classification: Uncertain significance for Cardiovascular phenotype. Last evaluated: 2024-12-28. Review status: criteria provided, single submitter. Criteria: Ambry Variant Classification Scheme 2023. Collection method: clinical testing. Allele origin: germline.
Comment: The p.P2S variant (also known as c.4C>T), located in coding exon 1 of the KCNH2 gene, results from a C to T substitution at nucleotide position 4. The proline at codon 2 is replaced by serine, an amino acid with similar properties. This amino acid position is well conserved in available vertebrate species. In addition, the in silico prediction for this alteration is inconclusive. Based on the available evidence, the clinical significance of this variant remains unclear.

NM_000238.4(KCNH2):c.4C>T (p.Pro2Ser)

Gene: KCNH2 (potassium voltage-gated channel subfamily H member 2; minus strand). Cytogenetic location: 7q36.1.
Variant type: single nucleotide variant.
Coding change: c.4C>T on transcript NM_000238.4 (MANE Select); coding-DNA position 4, C replaced by T.
Protein change: p.Pro2Ser; replaces proline 2 with serine.
Molecular consequence: missense variant. On other transcripts: non-coding transcript variant (1).
Genome position (GRCh38, 1-based): chr7:150,977,910, G>A on the plus strand (C>T on the coding strand, the complement: KCNH2 is on the minus strand). VCF-style: chr7-150977910-G-A. GRCh37 (hg19) VCF-style: chr7-150674998-G-A.
Other names: c.4C>T, p.Pro2Ser (NM_172056.3); short protein forms P2S.
Identifiers: ClinVar variation 3862759 (VCV003862759.1).